The following is an entry in ClinVar:

ClinVar aggregate classification (germline): Uncertain significance (1 of 4 stars; one submission).

Conditions:
Epileptic encephalopathy. Identifiers: MedGen C0543888, HP:0200134.

Allele frequency attached by ClinVar (database versions not stated): gnomAD exomes below 0.00001; gnomAD 0.00001; TOPMed 0.00001.
gnomAD v4.1: 7 of 1,590,046 alleles (0.00044%); highest among the groups gnomAD compares: Admixed American, 0.0018%; no homozygotes.

Submission:

Labcorp Genetics (formerly Invitae), Labcorp
Classification: Uncertain significance for Epileptic encephalopathy. Last evaluated: 2024-02-24. Review status: criteria provided, single submitter. Criteria: Invitae Variant Classification Sherloc (09022015). Collection method: clinical testing. Allele origin: germline.
Comment: This sequence change replaces arginine, which is basic and polar, with cysteine, which is neutral and slightly polar, at codon 384 of the FASN protein (p.Arg384Cys). The frequency data for this variant in the population databases is considered unreliable, as metrics indicate poor data quality at this position in the gnomAD database. This variant has not been reported in the literature in individuals affected with FASN-related conditions. ClinVar contains an entry for this variant (Variation ID: 1396827). An algorithm developed to predict the effect of missense changes on protein structure and function (PolyPhen-2) suggests that this variant is likely to be tolerated. In summary, the available evidence is currently insufficient to determine the role of this variant in disease. Therefore, it has been classified as a Variant of Uncertain Significance.

NM_004104.5(FASN):c.1150C>T (p.Arg384Cys)

Gene: FASN (fatty acid synthase; minus strand). Cytogenetic location: 17q25.3.
Variant type: single nucleotide variant.
Coding change: c.1150C>T on transcript NM_004104.5 (MANE Select); coding-DNA position 1150, C replaced by T.
Protein change: p.Arg384Cys; replaces arginine 384 with cysteine.
Molecular consequence: missense variant.
Genome position (GRCh38, 1-based): chr17:82,091,564, G>A on the plus strand (C>T on the coding strand, the complement: FASN is on the minus strand). VCF-style: chr17-82091564-G-A. GRCh37 (hg19) VCF-style: chr17-80049440-G-A.
Other names: short protein forms R384C.
Identifiers: ClinVar variation 1396827 (VCV001396827.8), dbSNP rs762823912, ClinGen allele CA8853238.